The following is an entry in ClinVar:

NM_000393.5(COL5A2):c.4153A>G (p.Thr1385Ala)

Gene: COL5A2 (collagen type V alpha 2 chain; minus strand). Cytogenetic location: 2q32.2.
Variant type: single nucleotide variant.
Coding change: c.4153A>G on transcript NM_000393.5 (MANE Select); coding-DNA position 4153, A replaced by G.
Protein change: p.Thr1385Ala; replaces threonine 1385 with alanine.
Molecular consequence: missense variant.
Genome position (GRCh38, 1-based): chr2:189,035,116, T>C on the plus strand (A>G on the coding strand, the complement: COL5A2 is on the minus strand). VCF-style: chr2-189035116-T-C. GRCh37 (hg19) VCF-style: chr2-189899842-T-C.
Other names: short protein forms T1385A.
Identifiers: ClinVar variation 577712 (VCV000577712.10), dbSNP rs1169417653, ClinGen allele CA349855222.

ClinVar aggregate classification (germline): Uncertain significance (1 of 4 stars; one submission).

Conditions:
Ehlers-Danlos syndrome, classic type, 1 (EDSCL1). Also called: Ehlers-Danlos Syndrome, Classic Type, COL5A1-Related; EDS I; Ehlers-Danlos syndrome, type 1; EHLERS-DANLOS SYNDROME, GRAVIS TYPE; EHLERS-DANLOS SYNDROME, SEVERE CLASSIC TYPE. Identifiers: MedGen C0268335, MONDO:0019567, OMIM 130000.

Allele frequency attached by ClinVar (database versions not stated): TOPMed below 0.00001; gnomAD 0.00001.
gnomAD v4.1: 1 of 1,613,756 alleles (0.000062%); highest among the groups gnomAD compares: African/African-American, 0.0013%; no homozygotes.

Submission:

Labcorp Genetics (formerly Invitae), Labcorp
Classification: Uncertain significance for Ehlers-Danlos syndrome, classic type, 1. Last evaluated: 2018-02-01. Review status: criteria provided, single submitter. Criteria: Invitae Variant Classification Sherloc (09022015). Collection method: clinical testing. Allele origin: germline.
Comment: This sequence change replaces threonine with alanine at codon 1385 of the COL5A2 protein (p.Thr1385Ala). The threonine residue is highly conserved and there is a small physicochemical difference between threonine and alanine. Algorithms developed to predict the effect of missense changes on protein structure and function (SIFT, PolyPhen-2, Align-GVGD) all suggest that this variant is likely to be tolerated, but these predictions have not been confirmed by published functional studies and their clinical significance is uncertain. In summary, the available evidence is currently insufficient to determine the role of this variant in disease. Therefore, it has been classified as a Variant of Uncertain Significance. This variant has not been reported in the literature in individuals with COL5A2-related disease. This variant is not present in population databases (ExAC no frequency).